The following is an entry in ClinVar:

ClinVar aggregate classification (germline): Likely benign. Review status: criteria provided, single submitter (1 of 4 stars). 2 submissions from 2 submitters: Likely benign (1). 1 of the submissions does not count toward it. Last evaluated 2025-06-24.

Conditions:
CUL7-related disorder. Also called: CUL7-related condition.

Allele frequency attached by ClinVar (database versions not stated): gnomAD exomes below 0.00001; TOPMed 0.00001.

Submissions (2):

Labcorp Genetics (formerly Invitae), Labcorp
Classification: Likely benign. Last evaluated: 2025-06-24. Review status: criteria provided, single submitter. Criteria: Invitae Variant Classification Sherloc (09022015). Collection method: clinical testing. Allele origin: germline.

PreventionGenetics, part of Exact Sciences
Classification: Likely benign for CUL7-related condition. Last evaluated: 2019-08-16. Review status: no assertion criteria provided. Collection method: clinical testing. Allele origin: germline. Not counted in ClinVar's aggregate classification.
Comment: This variant is classified as likely benign based on ACMG/AMP sequence variant interpretation guidelines (Richards et al. 2015 PMID: 25741868, with internal and published modifications).

NM_014780.5(CUL7):c.4917C>T (p.Asp1639=)

Gene: CUL7 (cullin 7; minus strand). Cytogenetic location: 6p21.1.
Variant type: single nucleotide variant.
Coding change: c.4917C>T on transcript NM_014780.5 (MANE Select); coding-DNA position 4917, C replaced by T.
Protein change: p.Asp1639=; no amino-acid change (aspartic acid 1639 retained).
Molecular consequence: synonymous variant.
Genome position (GRCh38, 1-based): chr6:43,037,868, G>A on the plus strand (C>T on the coding strand, the complement: CUL7 is on the minus strand). VCF-style: chr6-43037868-G-A. GRCh37 (hg19) VCF-style: chr6-43005606-G-A.
Other names: c.4917C>T (NM_014780.4); c.5013C>T, p.Asp1671= (NM_001168370.2, NM_001374872.1); c.4929C>T, p.Asp1643= (NM_001374873.1); c.4914C>T, p.Asp1638= (NM_001374874.1).
Identifiers: ClinVar variation 1909748 (VCV001909748.7), dbSNP rs1763080362, ClinGen allele CA450368581.